The following is an entry in ClinVar:

ClinVar aggregate classification (germline): Uncertain significance. Review status: criteria provided, multiple submitters, no conflicts (2 of 4 stars). 2 submissions from 2 submitters: Uncertain significance (2). Last evaluated 2022-08-16.

Conditions:
Leber congenital amaurosis 6 (LCA6). Identifiers: Orphanet 65, MedGen C1854260, MONDO:0013446, OMIM 613826.
Cone-rod dystrophy 13 (CORD13). Identifiers: Orphanet 1872, MedGen C2750720, MONDO:0011987, OMIM 608194.

Allele frequency attached by ClinVar (database versions not stated): gnomAD 0.00002 and 0.00003; gnomAD exomes 0.00002 and 0.00003; TOPMed 0.00002; ExAC 0.00004.
gnomAD v4.1: 48 of 1,613,078 alleles (0.003%); highest among the groups gnomAD compares: Non-Finnish European, 0.0038%; no homozygotes.

Submissions (2):

Labcorp Genetics (formerly Invitae), Labcorp
Classification: Uncertain significance for Leber congenital amaurosis 6; Cone-rod dystrophy 13. Last evaluated: 2022-08-16. Review status: criteria provided, single submitter. Criteria: Invitae Variant Classification Sherloc (09022015). Collection method: clinical testing. Allele origin: germline.
Comment: This sequence change replaces lysine, which is basic and polar, with glutamic acid, which is acidic and polar, at codon 338 of the RPGRIP1 protein (p.Lys338Glu). This variant is present in population databases (rs766519169, gnomAD 0.004%). This variant has not been reported in the literature in individuals affected with RPGRIP1-related conditions. ClinVar contains an entry for this variant (Variation ID: 942714). Algorithms developed to predict the effect of missense changes on protein structure and function are either unavailable or do not agree on the potential impact of this missense change (SIFT: "Tolerated"; PolyPhen-2: "Possibly Damaging"; Align-GVGD: "Class C0"). In summary, the available evidence is currently insufficient to determine the role of this variant in disease. Therefore, it has been classified as a Variant of Uncertain Significance.

Blueprint Genetics
Classification: Uncertain significance. Last evaluated: 2021-02-12. Review status: criteria provided, single submitter. Criteria: ACMG Guidelines, 2015. Collection method: clinical testing. Allele origin: germline.

NM_020366.4(RPGRIP1):c.1012A>G (p.Lys338Glu)

Gene: RPGRIP1 (RPGR interacting protein 1; plus strand). Cytogenetic location: 14q11.2.
Variant type: single nucleotide variant.
Coding change: c.1012A>G on transcript NM_020366.4 (MANE Select); coding-DNA position 1012, A replaced by G.
Protein change: p.Lys338Glu; replaces lysine 338 with glutamic acid.
Molecular consequence: missense variant.
Genome position (GRCh38, 1-based): chr14:21,311,905, A>G. VCF-style: chr14-21311905-A-G. GRCh37 (hg19) VCF-style: chr14-21780064-A-G.
Other names: short protein forms K338E.
Identifiers: ClinVar variation 942714 (VCV000942714.6), dbSNP rs766519169, ClinGen allele CA7088848.